The following is an entry in ClinVar:

ClinVar aggregate classification (germline): Uncertain significance (1 of 4 stars; one submission).

gnomAD v4.1: 1 of 1,613,904 alleles (0.000062%); highest among the groups gnomAD compares: Non-Finnish European, 0.000085%; no homozygotes.

Submission:

Women's Health and Genetics/Laboratory Corporation of America, LabCorp
Classification: Uncertain significance. Last evaluated: 2025-03-13. Review status: criteria provided, single submitter. Criteria: LabCorp Variant Classification Summary - May 2015. Collection method: clinical testing. Allele origin: germline.
Comment: Variant summary: ASH1L c.4226A>T (p.Tyr1409Phe) results in a conservative amino acid change in the encoded protein sequence. Four of five in-silico tools predict a damaging effect of the variant on protein function. The variant allele was found at a frequency of 4e-06 in 250956 control chromosomes. The available data on variant occurrences in the general population are insufficient to allow any conclusion about variant significance. To our knowledge, no occurrence of c.4226A>T in individuals affected with Intellectual Disability, Autosomal Dominant 52 and no experimental evidence demonstrating its impact on protein function have been reported. No submitters have cited clinical-significance assessments for this variant to ClinVar. Based on the evidence outlined above, the variant was classified as uncertain significance.

NM_018489.3(ASH1L):c.4226A>T (p.Tyr1409Phe)

Gene: ASH1L (ASH1 like histone lysine methyltransferase; minus strand). Cytogenetic location: 1q22.
Variant type: single nucleotide variant.
Coding change: c.4226A>T on transcript NM_018489.3 (MANE Select); coding-DNA position 4226, A replaced by T.
Protein change: p.Tyr1409Phe; replaces tyrosine 1409 with phenylalanine.
Molecular consequence: missense variant.
Genome position (GRCh38, 1-based): chr1:155,478,644, T>A on the plus strand (A>T on the coding strand, the complement: ASH1L is on the minus strand). VCF-style: chr1-155478644-T-A. GRCh37 (hg19) VCF-style: chr1-155448435-T-A.
Other names: c.4226A>T, p.Tyr1409Phe (NM_001366177.2); short protein forms Y1409F.
Identifiers: ClinVar variation 3895672 (VCV003895672.1).